The following is an entry in ClinVar:

ClinVar aggregate classification (germline): Likely benign (1 of 4 stars; one submission).

gnomAD v4.1: 64 of 1,610,056 alleles (0.004%); highest among the groups gnomAD compares: Middle Eastern, 0.033%; no homozygotes.

Submission:

CeGaT Center for Human Genetics Tuebingen
Classification: Likely benign. Last evaluated: 2025-09-01. Review status: criteria provided, single submitter. Criteria: CeGaT Center For Human Genetics Tuebingen Variant Classification Criteria Version 2. Collection method: clinical testing. Allele origin: germline. Affected: yes. Observed: 1 variant allele.
Comment: CUX1: BP4

NM_001913.5(CUX1):c.1708C>T (p.Arg570Trp)

Gene: CUX1 (cut like homeobox 1; plus strand). Cytogenetic location: 7q22.1.
Variant type: single nucleotide variant.
Coding change: c.1708C>T on transcript NM_001913.5 (MANE Plus Clinical); coding-DNA position 1708, C replaced by T.
Protein change: p.Arg570Trp; replaces arginine 570 with tryptophan.
Molecular consequence: missense variant.
Genome position (GRCh38, 1-based): chr7:102,280,064, C>T. VCF-style: chr7-102280064-C-T. GRCh37 (hg19) VCF-style: chr7-101923356-C-T.
Other names: c.1660C>T, p.Arg554Trp (NM_001202544.3); c.1570C>T, p.Arg524Trp (NM_001202545.3); c.1591C>T, p.Arg531Trp (NM_001202546.3); c.1702C>T, p.Arg568Trp (NM_181500.4); short protein forms R524W, R531W, R554W, R568W, R570W.
Identifiers: ClinVar variation 4280843 (VCV004280843.7).